The following is an entry in ClinVar:

ClinVar aggregate classification (germline): Uncertain significance (1 of 4 stars; one submission).

Conditions:
Ehlers-Danlos syndrome, classic type, 1 (EDSCL1). Also called: EHLERS-DANLOS SYNDROME, GRAVIS TYPE; EHLERS-DANLOS SYNDROME, SEVERE CLASSIC TYPE; Ehlers-Danlos syndrome, type 1; Ehlers-Danlos Syndrome, Classic Type, COL5A1-Related; EDS I. Identifiers: MedGen C0268335, MONDO:0019567, OMIM 130000.

gnomAD v4.1: 1 of 1,608,790 alleles (0.000062%); highest among the groups gnomAD compares: Admixed American, 0.0017%; no homozygotes.

Submission:

Labcorp Genetics (formerly Invitae), Labcorp
Classification: Uncertain significance for Ehlers-Danlos syndrome, classic type, 1. Last evaluated: 2025-07-24. Review status: criteria provided, single submitter. Criteria: Invitae Variant Classification Sherloc (09022015). Collection method: clinical testing. Allele origin: germline.
Comment: This sequence change falls in intron 62 of the COL5A1 gene. It does not directly change the encoded amino acid sequence of the COL5A1 protein. It affects a nucleotide within the consensus splice site. This variant is present in population databases (no rsID available, gnomAD 0.003%). This variant has not been reported in the literature in individuals affected with COL5A1-related conditions. Variants that disrupt the consensus splice site are a relatively common cause of aberrant splicing (PMID: 17576681, 9536098). Algorithms developed to predict the effect of sequence changes on RNA splicing suggest that this variant is not likely to affect RNA splicing. In summary, the available evidence is currently insufficient to determine the role of this variant in disease. Therefore, it has been classified as a Variant of Uncertain Significance.

Literature cited by the submitters: PubMed 17576681; PubMed 9536098.

NM_000093.5(COL5A1):c.4954+6G>A

Genes: COL5A1 (collagen type V alpha 1 chain; plus strand), LOC101448202 (uncharacterized LOC101448202; minus strand). Cytogenetic location: 9q34.3.
Variant type: single nucleotide variant.
Coding change: c.4954+6G>A on transcript NM_000093.5 (MANE Select); 6 bases into the intron after coding-DNA position 4954, G replaced by A.
Molecular consequence: intron variant.
Genome position (GRCh38, 1-based): chr9:134,824,861, G>A. VCF-style: chr9-134824861-G-A. GRCh37 (hg19) VCF-style: chr9-137716707-G-A.
Other names: c.4954+6G>A (NM_001278074.1).
Identifiers: ClinVar variation 4803487 (VCV004803487.1).